The following is an entry in ClinVar:

NM_001382430.1(AKT1):c.218T>G (p.Phe73Cys)

Gene: AKT1 (AKT serine/threonine kinase 1; minus strand). Cytogenetic location: 14q32.33.
Variant type: single nucleotide variant.
Coding change: c.218T>G on transcript NM_001382430.1 (MANE Select); coding-DNA position 218, T replaced by G.
Protein change: p.Phe73Cys; replaces phenylalanine 73 with cysteine.
Molecular consequence: missense variant.
Genome position (GRCh38, 1-based): chr14:104,776,728, A>C on the plus strand (T>G on the coding strand, the complement: AKT1 is on the minus strand). VCF-style: chr14-104776728-A-C. GRCh37 (hg19) VCF-style: chr14-105243065-A-C.
Other names: c.218T>G, p.Phe73Cys (NM_001014431.2, NM_001014432.2, NM_001382431.1 and 3 more transcripts); short protein forms F73C.
Identifiers: ClinVar variation 1787405 (VCV001787405.2), dbSNP rs2140930531, ClinGen allele CA391220756.
Genomic context (GRCh38, chr14:104,776,728, plus strand): 5'-GGAGTCTCCACATGGAAGGTGCGTTCGATGACAGTGGTCCACTGCAGGCAGCGGATGATG[A>C]AGGTGTTGGGCCGGGGCCGCTCCGTCTTCATCAGCTGGCACTCTGCGGGCAGGCAGAGCC-3'
Protein context (NP_001369359.1, residues 63-83): MKTERPRPNT[Phe73Cys]IIRCLQWTTV

ClinVar aggregate classification (germline): Uncertain significance (1 of 4 stars; one submission).

Conditions:
Inborn genetic diseases. Identifiers: MedGen C0950123, MeSH D030342.

Submission:

Ambry Genetics
Classification: Uncertain significance for Inborn genetic diseases. Last evaluated: 2022-02-21. Review status: criteria provided, single submitter. Criteria: Ambry Variant Classification Scheme 2023. Collection method: clinical testing. Allele origin: germline.
Comment: The p.F73C variant (also known as c.218T>G), located in coding exon 3 of the AKT1 gene, results from a T to G substitution at nucleotide position 218. The phenylalanine at codon 73 is replaced by cysteine, an amino acid with highly dissimilar properties. This amino acid position is conserved. In addition, this alteration is predicted to be deleterious by in silico analysis. Since supporting evidence is limited at this time, the clinical significance of this alteration remains unclear.